The following is an entry in ClinVar:

ClinVar aggregate classification (germline): Uncertain significance. Review status: criteria provided, multiple submitters, no conflicts (2 of 4 stars). 2 submissions from 2 submitters: Uncertain significance (2). Last evaluated 2022-03-18.

Allele frequency attached by ClinVar (database versions not stated): gnomAD exomes below 0.00001.
gnomAD v4.1: 1 of 1,613,452 alleles (0.000062%); highest among the groups gnomAD compares: Non-Finnish European, 0.000085%; no homozygotes.

Submissions (2):

Labcorp Genetics (formerly Invitae), Labcorp
Classification: Uncertain significance. Last evaluated: 2022-03-18. Review status: criteria provided, single submitter. Criteria: Invitae Variant Classification Sherloc (09022015). Collection method: clinical testing. Allele origin: germline.
Comment: This sequence change replaces glycine, which is neutral and non-polar, with arginine, which is basic and polar, at codon 1732 of the NALCN protein (p.Gly1732Arg). This variant is not present in population databases (gnomAD no frequency). This variant has not been reported in the literature in individuals affected with NALCN-related conditions. ClinVar contains an entry for this variant (Variation ID: 1314243). Advanced modeling of protein sequence and biophysical properties (such as structural, functional, and spatial information, amino acid conservation, physicochemical variation, residue mobility, and thermodynamic stability) performed at Invitae indicates that this missense variant is not expected to disrupt NALCN protein function. In summary, the available evidence is currently insufficient to determine the role of this variant in disease. Therefore, it has been classified as a Variant of Uncertain Significance.

GeneDx
Classification: Uncertain significance. Last evaluated: 2021-03-31. Review status: criteria provided, single submitter. Criteria: GeneDx Variant Classification Process June 2021. Collection method: clinical testing. Allele origin: germline. Affected: yes.
Comment: Not observed in large population cohorts (Lek et al., 2016); In-silico analysis, which includes splice predictors and evolutionary conservation, is inconclusive as to whether the variant alters gene splicing. In the absence of RNA/functional studies, the actual effect of this sequence change is unknown.; In silico analysis supports that this missense variant does not alter protein structure/function; Has not been previously published as pathogenic or benign to our knowledge

NM_052867.4(NALCN):c.5194G>A (p.Gly1732Arg)

Genes: NALCN (sodium leak channel, non-selective; minus strand), NALCN-AS1 (NALCN antisense RNA 1; plus strand). Cytogenetic location: 13q32.3.
Variant type: single nucleotide variant.
Coding change: c.5194G>A on transcript NM_052867.4 (MANE Select); coding-DNA position 5194, G replaced by A.
Protein change: p.Gly1732Arg; replaces glycine 1732 with arginine.
Molecular consequence: missense variant. On other transcripts: non-coding transcript variant (1).
Genome position (GRCh38, 1-based): chr13:101,055,318, C>T on the plus strand (G>A on the coding strand, the complement: NALCN is on the minus strand). VCF-style: chr13-101055318-C-T. GRCh37 (hg19) VCF-style: chr13-101707670-C-T.
Other names: c.5281G>A, p.Gly1761Arg (NM_001350748.2); c.5194G>A, p.Gly1732Arg (NM_001350749.2); c.5107G>A, p.Gly1703Arg (NM_001350750.2, NM_001350751.2); short protein forms G1703R, G1732R, G1761R.
Identifiers: ClinVar variation 1314243 (VCV001314243.6), dbSNP rs2139370855, ClinGen allele CA388642744.
Genomic context (GRCh38, chr13:101,055,318, plus strand): 5'-TTTCCACCACTAGAAATTCATCTACATTGACATCCACCTAAATATCCAGAAGGTCATCCC[C>T]ACTTTCGTCGCTCTCCACAGTCAGCTGCCGGGTCCACCACTTCTTAACTTCAGAACCGCA-3'
Protein context (NP_443099.1, residues 1722-1738): RQLTVESDES[Gly1732Arg]DDLLDI